The following is an entry in ClinVar:

ClinVar aggregate classification (germline): Uncertain significance. Review status: criteria provided, multiple submitters, no conflicts (2 of 4 stars). 2 submissions from 2 submitters: Uncertain significance (2). Last evaluated 2023-12-11.

Conditions:
Joubert syndrome. Also called: Familial aplasia of the vermis; JOUBERT-BOLTSHAUSER SYNDROME. Identifiers: Orphanet 475, MedGen C5979921, MONDO:0018772.
Meckel-Gruber syndrome. Also called: Dysencephalia splachnocystica; DYSENCEPHALIA SPLANCHNOCYSTICA; GRUBER SYNDROME. Identifiers: Orphanet 564, MedGen C0265215, MONDO:0018921.

Allele frequency attached by ClinVar (database versions not stated): TOPMed 0.00001.

Submissions (2):

Labcorp Genetics (formerly Invitae), Labcorp
Classification: Uncertain significance for Joubert syndrome; Meckel-Gruber syndrome. Last evaluated: 2023-12-11. Review status: criteria provided, single submitter. Criteria: Invitae Variant Classification Sherloc (09022015). Collection method: clinical testing. Allele origin: germline.
Comment: This sequence change replaces isoleucine, which is neutral and non-polar, with methionine, which is neutral and non-polar, at codon 1053 of the CC2D2A protein (p.Ile1053Met). This variant is not present in population databases (gnomAD no frequency). This variant has not been reported in the literature in individuals affected with CC2D2A-related conditions. ClinVar contains an entry for this variant (Variation ID: 1975879). Advanced modeling of protein sequence and biophysical properties (such as structural, functional, and spatial information, amino acid conservation, physicochemical variation, residue mobility, and thermodynamic stability) has been performed at Invitae for this missense variant, however the output from this modeling did not meet the statistical confidence thresholds required to predict the impact of this variant on CC2D2A protein function. In summary, the available evidence is currently insufficient to determine the role of this variant in disease. Therefore, it has been classified as a Variant of Uncertain Significance.

Revvity Omics, Revvity
Classification: Uncertain significance. Last evaluated: 2021-05-17. Review status: criteria provided, single submitter. Criteria: ACMG Guidelines, 2015. Collection method: clinical testing. Allele origin: germline.

NM_001378615.1(CC2D2A):c.3159T>G (p.Ile1053Met)

Genes: CC2D2A (coiled-coil and C2 domain containing 2A; plus strand), FBXL5 (F-box and leucine rich repeat protein 5; minus strand). Cytogenetic location: 4p15.32.
Variant type: single nucleotide variant.
Coding change: c.3159T>G on transcript NM_001378615.1 (MANE Select); coding-DNA position 3159, T replaced by G.
Protein change: p.Ile1053Met; replaces isoleucine 1053 with methionine.
Molecular consequence: missense variant.
Genome position (GRCh38, 1-based): chr4:15,563,499, T>G. VCF-style: chr4-15563499-T-G. GRCh37 (hg19) VCF-style: chr4-15565122-T-G.
Other names: c.3159T>G, p.Ile1053Met (NM_001080522.2); c.3012T>G, p.Ile1004Met (NM_001378617.1); short protein forms I1004M, I1053M.
Identifiers: ClinVar variation 1975879 (VCV001975879.8), dbSNP rs1719718344, ClinGen allele CA356416250.